The following is an entry in ClinVar:

NM_201253.3(CRB1):c.3145T>C (p.Ser1049Pro)

Gene: CRB1 (crumbs cell polarity complex component 1; plus strand). Cytogenetic location: 1q31.3.
Variant type: single nucleotide variant.
Coding change: c.3145T>C on transcript NM_201253.3 (MANE Select); coding-DNA position 3145, T replaced by C.
Protein change: p.Ser1049Pro; replaces serine 1049 with proline.
Molecular consequence: missense variant. On other transcripts: non-coding transcript variant (2), intron variant (1).
Genome position (GRCh38, 1-based): chr1:197,435,008, T>C. VCF-style: chr1-197435008-T-C. GRCh37 (hg19) VCF-style: chr1-197404138-T-C.
Other names: c.2809T>C, p.Ser937Pro (NM_001193640.2); c.3073T>C, p.Ser1025Pro (NM_001257965.2); c.2129-592T>C (NM_001257966.2); c.3145T>C (NM_201253.2); short protein forms S937P, S1025P, S1049P.
Identifiers: ClinVar variation 1919368 (VCV001919368.6), dbSNP rs2528199038, ClinGen allele CA344045988.
Genomic context (GRCh38, chr1:197,435,008, plus strand): 5'-GTGAATGATGGCACATGGCACGAAGTGACCCTTTCCATGACAGACCCACTGTCCCAGACC[T>C]CCAGGTGGCAAATGGAAGTGGACAACGAAACACCTTTTGTGACCAGCACAATTGCTACTG-3'
Protein context (NP_957705.1, residues 1039-1059): LSMTDPLSQT[Ser1049Pro]RWQMEVDNET

ClinVar aggregate classification (germline): Likely pathogenic. Review status: criteria provided, single submitter (1 of 4 stars). 2 submissions from 2 submitters: Likely pathogenic (1). 1 of the submissions does not count toward it. Last evaluated 2023-12-11.

Conditions:
Retinitis pigmentosa 12 (RP12). Also called: RP WITH OR WITHOUT PPRPE; RP WITH OR WITHOUT PRESERVED PARAARTERIOLE RETINAL PIGMENT EPITHELIUM; RETINITIS PIGMENTOSA WITH OR WITHOUT PARAARTERIOLAR PRESERVATION OF RETINAL PIGMENT EPITHELIUM. Identifiers: Orphanet 791, MedGen C1838647, MONDO:0010818, OMIM 600105.
Leber congenital amaurosis 8 (LCA8). Identifiers: Orphanet 65, MedGen C3151202, MONDO:0013453, OMIM 613835.
Leber congenital amaurosis (LCA). Also called: Leber's amaurosis. Identifiers: Orphanet 65, MedGen C0339527, MeSH D057130, MONDO:0018998.

Submissions (2):

Labcorp Genetics (formerly Invitae), Labcorp
Classification: Likely pathogenic for Leber congenital amaurosis 8; Retinitis pigmentosa 12. Last evaluated: 2023-12-11. Review status: criteria provided, single submitter. Criteria: Invitae Variant Classification Sherloc (09022015). Collection method: clinical testing. Allele origin: germline.
Comment: This sequence change replaces serine, which is neutral and polar, with proline, which is neutral and non-polar, at codon 1049 of the CRB1 protein (p.Ser1049Pro). This variant is not present in population databases (gnomAD no frequency). This missense change has been observed in individual(s) with retinitis pigmentosa (Invitae). In at least one individual the data is consistent with being in trans (on the opposite chromosome) from a pathogenic variant. ClinVar contains an entry for this variant (Variation ID: 1919368). Advanced modeling of protein sequence and biophysical properties (such as structural, functional, and spatial information, amino acid conservation, physicochemical variation, residue mobility, and thermodynamic stability) performed at Invitae indicates that this missense variant is expected to disrupt CRB1 protein function with a positive predictive value of 80%. In summary, the currently available evidence indicates that the variant is pathogenic, but additional data are needed to prove that conclusively. Therefore, this variant has been classified as Likely Pathogenic.

Natera, Inc.
Classification: Uncertain significance for Leber congenital amaurosis. Last evaluated: 2025-02-25. Review status: no assertion criteria provided. Collection method: clinical testing. Allele origin: germline. Not counted in ClinVar's aggregate classification.